The following is an entry in ClinVar:

NM_130384.3(ATRIP):c.1936G>A (p.Val646Met)

Genes: ATRIP (ATR interacting protein; plus strand), ATRIP-TREX1 (ATRIP-TREX1 readthrough; plus strand). Cytogenetic location: 3p21.31.
Variant type: single nucleotide variant.
Coding change: c.1936G>A on transcript NM_130384.3 (MANE Select); coding-DNA position 1936, G replaced by A.
Protein change: p.Val646Met; replaces valine 646 with methionine.
Molecular consequence: missense variant. On other transcripts: non-coding transcript variant (1).
Genome position (GRCh38, 1-based): chr3:48,464,094, G>A. VCF-style: chr3-48464094-G-A. GRCh37 (hg19) VCF-style: chr3-48505493-G-A.
Other names: c.1555G>A, p.Val519Met (NM_001271022.2); c.1657G>A, p.Val553Met (NM_001271023.2); c.1936G>A, p.Val646Met (NM_032166.4); c.1936G>A (NM_130384.1); short protein forms V519M, V553M, V646M.
Identifiers: ClinVar variation 1972392 (VCV001972392.6), dbSNP rs897672294, ClinGen allele CA73974593.

ClinVar aggregate classification (germline): Uncertain significance. Review status: criteria provided, multiple submitters, no conflicts (2 of 4 stars). 2 submissions from 2 submitters: Uncertain significance (2). Last evaluated 2025-01-14.

gnomAD v4.1: 2 of 1,613,878 alleles (0.00012%); highest among the groups gnomAD compares: Non-Finnish European, 0.00017%; no homozygotes.

Submissions (2):

Ambry Genetics
Classification: Uncertain significance. Last evaluated: 2025-01-14. Review status: criteria provided, single submitter. Criteria: Ambry Variant Classification Scheme 2023. Collection method: clinical testing. Allele origin: germline.
Comment: The p.V646M variant (also known as c.1936G>A), located in coding exon 10 of the ATRIP gene, results from a G to A substitution at nucleotide position 1936. The valine at codon 646 is replaced by methionine, an amino acid with highly similar properties. This amino acid position is conserved. In addition, this alteration is predicted to be tolerated by in silico analysis. Based on the available evidence, the clinical significance of this variant remains unclear.

Labcorp Genetics (formerly Invitae), Labcorp
Classification: Uncertain significance. Last evaluated: 2022-07-14. Review status: criteria provided, single submitter. Criteria: Invitae Variant Classification Sherloc (09022015). Collection method: clinical testing. Allele origin: germline.
Comment: This sequence change replaces valine, which is neutral and non-polar, with methionine, which is neutral and non-polar, at codon 646 of the ATRIP protein (p.Val646Met). In summary, the available evidence is currently insufficient to determine the role of this variant in disease. Therefore, it has been classified as a Variant of Uncertain Significance. Algorithms developed to predict the effect of missense changes on protein structure and function output the following: SIFT: "Tolerated"; PolyPhen-2: "Possibly Damaging"; Align-GVGD: "Class C0". The methionine amino acid residue is found in multiple mammalian species, which suggests that this missense change does not adversely affect protein function. This variant has not been reported in the literature in individuals affected with ATRIP-related conditions. This variant is not present in population databases (gnomAD no frequency).